The following is an entry in ClinVar:

ClinVar aggregate classification (germline): Likely benign. Review status: criteria provided, multiple submitters, no conflicts (2 of 4 stars). 3 submissions from 3 submitters: Likely benign (2). 1 of the submissions does not count toward it. Last evaluated 2025-10-14.

Conditions:
Meckel-Gruber syndrome. Also called: DYSENCEPHALIA SPLANCHNOCYSTICA; GRUBER SYNDROME; Dysencephalia splachnocystica. Identifiers: Orphanet 564, MedGen C0265215, MONDO:0018921.
Joubert syndrome. Also called: JOUBERT-BOLTSHAUSER SYNDROME; Familial aplasia of the vermis. Identifiers: Orphanet 475, MedGen C5979921, MONDO:0018772.
MKS1-related disorder. Also called: MKS1-related condition; MKS1-related disorders. Identifiers: MedGen CN239382.

Allele frequency attached by ClinVar (database versions not stated): ExAC 0.00002; gnomAD exomes 0.00002; gnomAD 0.00008; TOPMed 0.00009.
gnomAD v4.1: 40 of 1,614,014 alleles (0.0025%); highest among the groups gnomAD compares: African/African-American, 0.029%; no homozygotes.

Submissions (3):

Labcorp Genetics (formerly Invitae), Labcorp
Classification: Likely benign for Joubert syndrome; Meckel-Gruber syndrome. Last evaluated: 2025-10-14. Review status: criteria provided, single submitter. Criteria: Invitae Variant Classification Sherloc (09022015). Collection method: clinical testing. Allele origin: germline.

Blueprint Genetics
Classification: Likely benign. Last evaluated: 2022-12-23. Review status: criteria provided, single submitter. Criteria: ACMG Guidelines, 2015. Collection method: clinical testing. Allele origin: germline.

PreventionGenetics, part of Exact Sciences
Classification: Likely benign for MKS1-related condition. Last evaluated: 2024-06-25. Review status: no assertion criteria provided. Collection method: clinical testing. Allele origin: germline. Not counted in ClinVar's aggregate classification.
Comment: This variant is classified as likely benign based on ACMG/AMP sequence variant interpretation guidelines (Richards et al. 2015 PMID: 25741868, with internal and published modifications).

NM_017777.4(MKS1):c.759G>A (p.Thr253=)

Gene: MKS1 (MKS transition zone complex subunit 1; minus strand). Cytogenetic location: 17q22.
Variant type: single nucleotide variant.
Coding change: c.759G>A on transcript NM_017777.4 (MANE Select); coding-DNA position 759, G replaced by A.
Protein change: p.Thr253=; no amino-acid change (threonine 253 retained).
Molecular consequence: synonymous variant.
Genome position (GRCh38, 1-based): chr17:58,213,081, C>T on the plus strand (G>A on the coding strand, the complement: MKS1 is on the minus strand). VCF-style: chr17-58213081-C-T. GRCh37 (hg19) VCF-style: chr17-56290442-C-T.
Other names: c.150G>A, p.Thr50= (NM_001321268.2); c.759G>A, p.Thr253= (NM_001321269.2, NM_001330397.2).
Identifiers: ClinVar variation 701513 (VCV000701513.12), dbSNP rs770140009, ClinGen allele CA8669417.